The following is an entry in ClinVar:

NM_177398.4(LMX1A):c.146G>A (p.Arg49Gln)

Gene: LMX1A (LIM homeobox transcription factor 1 alpha; minus strand). Cytogenetic location: 1q23.3.
Variant type: single nucleotide variant.
Coding change: c.146G>A on transcript NM_177398.4 (MANE Select); coding-DNA position 146, G replaced by A.
Protein change: p.Arg49Gln; replaces arginine 49 with glutamine.
Molecular consequence: missense variant.
Genome position (GRCh38, 1-based): chr1:165,353,193, C>T on the plus strand (G>A on the coding strand, the complement: LMX1A is on the minus strand). VCF-style: chr1-165353193-C-T. GRCh37 (hg19) VCF-style: chr1-165322430-C-T.
Other names: NC_000001.10:g.165322430C>T; c.146G>A (NM_177398.3); c.146G>A, p.Arg49Gln (NM_001174069.2); short protein forms R49Q.
Identifiers: ClinVar variation 2635694 (VCV002635694.3), dbSNP rs376967723, ClinGen allele CA1219865.

ClinVar aggregate classification (germline): Uncertain significance. Review status: criteria provided, multiple submitters, no conflicts (2 of 4 stars). 2 submissions from 2 submitters: Uncertain significance (2). Last evaluated 2025-11-20.

Conditions:
LMX1A-related disorder. Also called: LMX1A-related condition.

Allele frequency attached by ClinVar (database versions not stated): ExAC 0.00002; TOPMed 0.00003; gnomAD 0.00004; ESP Exome Variant Server 0.00015.
gnomAD v4.1: 46 of 1,613,974 alleles (0.0029%); highest among the groups gnomAD compares: Non-Finnish European, 0.0038%; no homozygotes.

Submissions (3):

Ambry Genetics
Classification: Uncertain significance. Last evaluated: 2025-11-20. Review status: criteria provided, single submitter. Criteria: Ambry Variant Classification Scheme 2023. Collection method: clinical testing. Allele origin: germline.

PreventionGenetics, part of Exact Sciences
Classification: Uncertain significance for LMX1A-related condition. Last evaluated: 2023-01-26. Review status: criteria provided, single submitter. Criteria: ACMG Guidelines, 2015. Collection method: clinical testing. Allele origin: germline.
Comment: The LMX1A c.146G>A variant is predicted to result in the amino acid substitution p.Arg49Gln. To our knowledge, this variant has not been reported in the literature. This variant is reported in 0.0054% of alleles in individuals of European (Non-Finnish) descent in gnomAD. At this time, the clinical significance of this variant is uncertain due to the absence of conclusive functional and genetic evidence.

Dr. Peter K. Rogan Lab, Western University
No classification provided (evidence only). Condition: Familial cancer of breast. Review status: no classification provided. Collection method: in vitro. Allele origin: not applicable. Functional consequence: retained intron. Not counted in ClinVar's aggregate classification.